The following is an entry in ClinVar:

NM_052909.5(PLEKHG4B):c.1312C>A (p.Arg438=)

Gene: PLEKHG4B (pleckstrin homology and RhoGEF domain containing G4B; plus strand). Cytogenetic location: 5p15.33.
Variant type: single nucleotide variant.
Coding change: c.1312C>A on transcript NM_052909.5 (MANE Select); coding-DNA position 1312, C replaced by A.
Protein change: p.Arg438=; no amino-acid change (arginine 438 retained).
Molecular consequence: synonymous variant.
Genome position (GRCh38, 1-based): chr5:140,551, C>A. VCF-style: chr5-140551-C-A. GRCh37 (hg19) VCF-style: chr5-140666-C-A.
Identifiers: ClinVar variation 2655236 (VCV002655236.24), dbSNP rs757696280, ClinGen allele CA442897661.

ClinVar aggregate classification (germline): Likely benign (1 of 4 stars; one submission).

Submission:

CeGaT Center for Human Genetics Tuebingen
Classification: Likely benign. Last evaluated: 2022-04-01. Review status: criteria provided, single submitter. Criteria: CeGaT Center For Human Genetics Tuebingen Variant Classification Criteria Version 2. Collection method: clinical testing. Allele origin: germline. Affected: yes. Observed: 1 variant allele.
Comment: PLEKHG4B: PM2:Supporting, BP4, BP7